The following is an entry in ClinVar:

NM_000900.5(MGP):c.*206A>G

Genes: MGP (matrix Gla protein; minus strand), LOC126861465 (CDK7 strongly-dependent group 2 enhancer GRCh37_chr12:15033676-15034875; plus strand). Cytogenetic location: 12p12.3.
Variant type: single nucleotide variant.
Coding change: c.*206A>G on transcript NM_000900.5 (MANE Select); 206 bases downstream of the stop codon, A replaced by G.
Molecular consequence: 3 prime UTR variant.
Genome position (GRCh38, 1-based): chr12:14,881,933, T>C on the plus strand (A>G on the coding strand, the complement: MGP is on the minus strand). VCF-style: chr12-14881933-T-C. GRCh37 (hg19) VCF-style: chr12-15034867-T-C.
Other names: c.*206A>G (NM_001190839.3).
Identifiers: ClinVar variation 881047 (VCV000881047.6), dbSNP rs144321187, ClinGen allele CA233309892.

ClinVar aggregate classification (germline): Benign/Likely benign. Review status: criteria provided, multiple submitters, no conflicts (2 of 4 stars). 2 submissions from 2 submitters: Benign (1); Likely benign (1). Last evaluated 2019-05-20.

Conditions:
Keutel syndrome (KTLS). Identifiers: Orphanet 85202, MedGen C1855607, MONDO:0009495, OMIM 245150.

Allele frequency attached by ClinVar (database versions not stated): gnomAD exomes 0.00041; gnomAD 0.00378 and 0.00399; TOPMed 0.00433; 1000 Genomes Project 0.00539; 1000 Genomes Project 30x 0.00578.
gnomAD v4.1: 766 of 602,182 alleles (0.13%); highest among the groups gnomAD compares: African/African-American, 1.2%; 5 homozygotes.

Submissions (2):

GeneDx
Classification: Likely benign. Last evaluated: 2019-05-20. Review status: criteria provided, single submitter. Criteria: GeneDx Variant Classification Process June 2021. Collection method: clinical testing. Allele origin: germline. Affected: yes.

Illumina Laboratory Services, Illumina
Classification: Benign for Keutel syndrome. Last evaluated: 2018-01-12. Review status: criteria provided, single submitter. Criteria: ICSL Variant Classification Criteria 13 December 2019. Collection method: clinical testing. Allele origin: germline.
Comment: This variant was observed in the ICSL laboratory as part of a predisposition screen in an ostensibly healthy population. It had not been previously curated by ICSL or reported in the Human Gene Mutation Database (HGMD: prior to June 1st, 2018), and was therefore a candidate for classification through an automated scoring system. Utilizing variant allele frequency, disease prevalence and penetrance estimates, and inheritance mode, an automated score was calculated to assess if this variant is too frequent to cause the disease. Based on the score and internal cut-off values, a variant classified as benign is not then subjected to further curation. The score for this variant resulted in a classification of benign for this disease.